The following is an entry in ClinVar:

ClinVar aggregate classification (germline): Pathogenic. Review status: criteria provided, single submitter (1 of 4 stars). 2 submissions from 2 submitters: Pathogenic (1). 1 of the submissions does not count toward it. Last evaluated 2026-07-21.

Conditions:
Granulomatous disease, chronic, autosomal recessive, cytochrome b-negative. Also called: CGD DUE TO DEFICIENCY OF THE ALPHA SUBUNIT OF CYTOCHROME b; CGD, AUTOSOMAL RECESSIVE CYTOCHROME b-NEGATIVE; Chronic granulomatous disease, autosomal, due to deficiency of CYBA; CYBA DEFICIENCY; GRANULOMATOUS DISEASE, CHRONIC, AUTOSOMAL RECESSIVE, 4. Identifiers: Orphanet 379, MedGen C1856255, MONDO:0009308, OMIM 233690.

Submissions (2):

Myriad Genetics, Inc.
Classification: Pathogenic for Granulomatous disease, chronic, autosomal recessive, cytochrome b-negative. Last evaluated: 2026-07-21. Review status: criteria provided, single submitter. Criteria: Myriad Autosomal Dominant, Autosomal Recessive and X-Linked Classification Criteria (2023). Collection method: clinical testing. Allele origin: unknown.
Comment: NM_000101.3(CYBA):c.287+1G>A is a variant in a canonical splice site classified as pathogenic in the context of chronic granulomatous disease, CYBA-related. c.287+1G>A has been observed in cases with relevant disease (PMID: 1415254, 28941186, 34547651). Relevant functional assessments of this variant are available in the literature (PMID: 1415254). c.287+1G>A has not been observed in referenced population frequency databases. In summary, NM_000101.3(CYBA):c.287+1G>A is a variant in a canonical splice site that has been observed more frequently in cases with the relevant disease than in healthy populations. Please note: this variant was assessed in the context of healthy population screening.

OMIM
Classification: Pathogenic for GRANULOMATOUS DISEASE, CHRONIC, AUTOSOMAL RECESSIVE, 4. Last evaluated: 1992-11-01. Review status: no assertion criteria provided. Collection method: literature only. Allele origin: germline. Not counted in ClinVar's aggregate classification.

Literature cited by the submitters: PubMed 1415254 (cited by Myriad Genetics, Inc. and OMIM); PubMed 28941186 (cited by Myriad Genetics, Inc.); PubMed 34547651 (cited by Myriad Genetics, Inc.).

NM_000101.4(CYBA):c.287+1G>A

Gene: CYBA (cytochrome b-245 alpha chain; minus strand). Cytogenetic location: 16q24.2.
Variant type: single nucleotide variant.
Coding change: c.287+1G>A on transcript NM_000101.4 (MANE Select); the canonical splice donor site of the intron after coding-DNA position 287, G replaced by A.
Molecular consequence: splice donor variant.
Genome position (GRCh38, 1-based): chr16:88,646,754, C>T on the plus strand (G>A on the coding strand, the complement: CYBA is on the minus strand). VCF-style: chr16-88646754-C-T. GRCh37 (hg19) VCF-style: chr16-88713162-C-T.
Other names: IVS4DS, G-A, +1.
Identifiers: ClinVar variation 2262 (VCV000002262.3), dbSNP rs1567609091, ClinGen allele CA397064121.